The following is an entry in ClinVar:

ClinVar aggregate classification (germline): Likely benign. Review status: criteria provided, multiple submitters, no conflicts (2 of 4 stars). 2 submissions from 2 submitters: Likely benign (2). Last evaluated 2026-06-05.

Conditions:
CREBBP-related disorder. Also called: CREBBP-related disorders; CREBBP-related condition.
Rubinstein-Taybi syndrome (RSTS). Identifiers: Orphanet 783, MedGen C0035934, MONDO:0019188.

Allele frequency attached by ClinVar (database versions not stated): gnomAD exomes below 0.00001; TOPMed 0.00002; gnomAD 0.00003.
gnomAD v4.1: 11 of 1,613,558 alleles (0.00068%); highest among the groups gnomAD compares: African/African-American, 0.0067%; no homozygotes.

Submissions (2):

PreventionGenetics, part of Exact Sciences
Classification: Likely benign for CREBBP-related condition. Last evaluated: 2026-06-05. Review status: criteria provided, single submitter. Criteria: ACMG Guidelines, 2015. Collection method: clinical testing. Allele origin: germline.
Comment: This variant is classified as likely benign based on ACMG/AMP sequence variant interpretation guidelines (Richards et al. 2015 PMID: 25741868, with internal and published modifications).

Labcorp Genetics (formerly Invitae), Labcorp
Classification: Likely benign for Rubinstein-Taybi syndrome. Last evaluated: 2024-10-16. Review status: criteria provided, single submitter. Criteria: Invitae Variant Classification Sherloc (09022015). Collection method: clinical testing. Allele origin: germline.

NM_004380.3(CREBBP):c.2847G>A (p.Pro949=)

Gene: CREBBP (CREB binding lysine acetyltransferase; minus strand). Cytogenetic location: 16p13.3.
Variant type: single nucleotide variant.
Coding change: c.2847G>A on transcript NM_004380.3 (MANE Select); coding-DNA position 2847, G replaced by A.
Protein change: p.Pro949=; no amino-acid change (proline 949 retained).
Molecular consequence: synonymous variant.
Genome position (GRCh38, 1-based): chr16:3,770,603, C>T on the plus strand (G>A on the coding strand, the complement: CREBBP is on the minus strand). VCF-style: chr16-3770603-C-T. GRCh37 (hg19) VCF-style: chr16-3820604-C-T.
Other names: c.2733G>A, p.Pro911= (NM_001079846.1); c.2847G>A (NM_004380.2).
Identifiers: ClinVar variation 2727864 (VCV002727864.4), dbSNP rs369521603, ClinGen allele CA276968973.